The following is an entry in ClinVar:

NM_017662.5(TRPM6):c.5693A>G (p.Asn1898Ser)

Gene: TRPM6 (transient receptor potential cation channel subfamily M member 6; minus strand). Cytogenetic location: 9q21.13.
Variant type: single nucleotide variant.
Coding change: c.5693A>G on transcript NM_017662.5 (MANE Select); coding-DNA position 5693, A replaced by G.
Protein change: p.Asn1898Ser; replaces asparagine 1898 with serine.
Molecular consequence: missense variant.
Genome position (GRCh38, 1-based): chr9:74,738,490, T>C on the plus strand (A>G on the coding strand, the complement: TRPM6 is on the minus strand). VCF-style: chr9-74738490-T-C. GRCh37 (hg19) VCF-style: chr9-77353406-T-C.
Other names: c.5678A>G, p.Asn1893Ser (NM_001177310.2, NM_001177311.2); short protein forms N1893S, N1898S.
Identifiers: ClinVar variation 3731399 (VCV003731399.1).

ClinVar aggregate classification (germline): Uncertain significance (1 of 4 stars; one submission).

Conditions:
Intestinal hypomagnesemia 1. Also called: HYPOMAGNESEMIA, INTESTINAL, WITH SECONDARY HYPOCALCEMIA; HYPOMAGNESEMIC TETANY. Identifiers: Orphanet 30924, MedGen C1865974, MONDO:0011176, OMIM 602014.

gnomAD v4.1: 5 of 1,614,108 alleles (0.00031%); highest among the groups gnomAD compares: South Asian, 0.0044%; no homozygotes.

Submission:

Neuberg Centre For Genomic Medicine, NCGM
Classification: Uncertain significance for Intestinal hypomagnesemia 1. Review status: criteria provided, single submitter. Criteria: ACMG Guidelines, 2015. Collection method: clinical testing. Allele origin: germline. Inheritance: Autosomal recessive inheritance. Affected: yes.
Comment: The missense c.5693A>G (p.Asn1898Ser) variant in TRPM6 gene has not been reported previously as a pathogenic variant nor as a benign variant, to our knowledge. The p.Asn1898Ser variant is present with allele frequency of 0.001% in gnomAD Exomes. This variant has not been submitted to the ClinVar database. Multiple lines of computational evidence (Polyphen - Benign, SIFT - Tolerated and MutationTaster - Polymorphism) predicts no damaging effect on protein structure and function for this variant. The reference amino acid at this position on TRPM6 is predicted as conserved by PhyloP across 100 vertebrates. The amino acid Asn at position 1898 is changed to a Ser changing protein sequence and it might alter its composition and physico-chemical properties. For these reasons, this variant has been classified as a Variant of Uncertain Significance (VUS).